The following is an entry in ClinVar:

ClinVar aggregate classification (germline): Uncertain significance (1 of 4 stars; one submission).

Conditions:
Immunodeficiency 19 (IMD19). Also called: CD3-DELTA DEFICIENCY; SEVERE COMBINED IMMUNODEFICIENCY, T CELL-NEGATIVE, B CELL-POSITIVE, NK CELL-POSITIVE; SCID, T CELL-NEGATIVE, B CELL-POSITIVE, NK CELL-POSITIVE; IMMUNODEFICIENCY 19, SEVERE COMBINED. Identifiers: MedGen C3810147, MONDO:0014280, OMIM 615617.

Submission:

Labcorp Genetics (formerly Invitae), Labcorp
Classification: Uncertain significance for Immunodeficiency 19. Last evaluated: 2022-04-15. Review status: criteria provided, single submitter. Criteria: Invitae Variant Classification Sherloc (09022015). Collection method: clinical testing. Allele origin: germline.
Comment: In summary, the available evidence is currently insufficient to determine the role of this variant in disease. Therefore, it has been classified as a Variant of Uncertain Significance. Algorithms developed to predict the effect of missense changes on protein structure and function are either unavailable or do not agree on the potential impact of this missense change (SIFT: "Deleterious"; PolyPhen-2: "Benign"; Align-GVGD: "Class C0"). This variant has not been reported in the literature in individuals affected with CD3D-related conditions. This variant is not present in population databases (gnomAD no frequency). This sequence change replaces alanine, which is neutral and non-polar, with glycine, which is neutral and non-polar, at codon 136 of the CD3D protein (p.Ala136Gly).

NM_000732.6(CD3D):c.407C>G (p.Ala136Gly)

Gene: CD3D (CD3 delta subunit of T-cell receptor complex; minus strand). Cytogenetic location: 11q23.3.
Variant type: single nucleotide variant.
Coding change: c.407C>G on transcript NM_000732.6 (MANE Select); coding-DNA position 407, C replaced by G.
Protein change: p.Ala136Gly; replaces alanine 136 with glycine.
Molecular consequence: missense variant.
Genome position (GRCh38, 1-based): chr11:118,339,494, G>C on the plus strand (C>G on the coding strand, the complement: CD3D is on the minus strand). VCF-style: chr11-118339494-G-C. GRCh37 (hg19) VCF-style: chr11-118210209-G-C.
Other names: c.275C>G, p.Thr92Ser (NM_001040651.2); short protein forms A136G, T92S.
Identifiers: ClinVar variation 2126383 (VCV002126383.4), dbSNP rs2496869318, ClinGen allele CA382787962.
Genomic context (GRCh38, chr11:118,339,494, plus strand): 5'-TTCCCCTCAACGCTCACCTGATAGACCTGGTCATTCCTCAACAGAGCTTGTGTGTCGGCA[G>C]CTAGAAGAACCAGAGAGAGACATCAATGGCCTAGCAGATGGGACTGTGAGATCCACCCTC-3'
Protein context (NP_000723.1, residues 126-146): AGHETGRLSG[Ala136Gly]ADTQALLRND